The following is an entry in ClinVar:

NM_000554.6(CRX):c.893T>A (p.Ile298Asn)

Gene: CRX (cone-rod homeobox; plus strand). Cytogenetic location: 19q13.33.
Variant type: single nucleotide variant.
Coding change: c.893T>A on transcript NM_000554.6 (MANE Select); coding-DNA position 893, T replaced by A.
Protein change: p.Ile298Asn; replaces isoleucine 298 with asparagine.
Molecular consequence: missense variant.
Genome position (GRCh38, 1-based): chr19:47,839,960, T>A. VCF-style: chr19-47839960-T-A. GRCh37 (hg19) VCF-style: chr19-48343217-T-A.
Other names: short protein forms I298N.
Identifiers: ClinVar variation 1367586 (VCV001367586.8), dbSNP rs2123743769, ClinGen allele CA406632135.

ClinVar aggregate classification (germline): Uncertain significance (1 of 4 stars; one submission).

Conditions:
Leber congenital amaurosis 7 (LCA7). Identifiers: Orphanet 65, MedGen C3151192, MONDO:0013449, OMIM 613829.
Cone-rod dystrophy 2 (CORD2). Also called: Cone-rod retinal dystrophy 2; CONE-ROD RETINAL DYSTROPHY. Identifiers: Orphanet 1872, MedGen C3489532, MONDO:0007362, OMIM 120970.

Submission:

Labcorp Genetics (formerly Invitae), Labcorp
Classification: Uncertain significance for Cone-rod dystrophy 2; Leber congenital amaurosis 7. Last evaluated: 2021-07-14. Review status: criteria provided, single submitter. Criteria: Invitae Variant Classification Sherloc (09022015). Collection method: clinical testing. Allele origin: germline.
Comment: This variant has not been reported in the literature in individuals affected with CRX-related conditions. This sequence change replaces isoleucine with asparagine at codon 298 of the CRX protein (p.Ile298Asn). The isoleucine residue is highly conserved and there is a large physicochemical difference between isoleucine and asparagine. This variant is not present in population databases (ExAC no frequency). Algorithms developed to predict the effect of missense changes on protein structure and function (SIFT, PolyPhen-2, Align-GVGD) all suggest that this variant is likely to be disruptive. In summary, the available evidence is currently insufficient to determine the role of this variant in disease. Therefore, it has been classified as a Variant of Uncertain Significance.